The following is an entry in ClinVar:

ClinVar aggregate classification (germline): Conflicting classifications of pathogenicity. Review status: criteria provided, conflicting classifications (1 of 4 stars). 3 submissions from 3 submitters: Uncertain significance (1); Likely benign (1). 1 of the submissions does not count toward it. Last evaluated 2026-01-30.

Conditions:
MYH9-related disorder. Identifiers: MedGen C1854520.

Allele frequency attached by ClinVar (database versions not stated): TOPMed below 0.00001; gnomAD 0.00003; ExAC 0.00004.
gnomAD v4.1: 30 of 1,609,470 alleles (0.0019%); highest among the groups gnomAD compares: South Asian, 0.0099%; no homozygotes.

Submissions (3):

GeneDx
Classification: Uncertain significance. Last evaluated: 2026-01-30. Review status: criteria provided, single submitter. Criteria: GeneDx Variant Classification Process June 2021. Collection method: clinical testing. Allele origin: germline.
Comment: Has not been previously published as pathogenic or benign to our knowledge; In silico analysis suggests this variant may impact gene splicing. In the absence of RNA/functional studies, the actual effect of this sequence change is unknown.

Labcorp Genetics (formerly Invitae), Labcorp
Classification: Likely benign. Last evaluated: 2023-12-11. Review status: criteria provided, single submitter. Criteria: Invitae Variant Classification Sherloc (09022015). Collection method: clinical testing. Allele origin: germline.

PreventionGenetics, part of Exact Sciences
Classification: Likely benign for MYH9-related condition. Last evaluated: 2022-12-21. Review status: no assertion criteria provided. Collection method: clinical testing. Allele origin: germline. Not counted in ClinVar's aggregate classification.
Comment: This variant is classified as likely benign based on ACMG/AMP sequence variant interpretation guidelines (Richards et al. 2015 PMID: 25741868, with internal and published modifications).

NM_002473.6(MYH9):c.5595C>T (p.Ala1865=)

Gene: MYH9 (myosin heavy chain 9; minus strand). Cytogenetic location: 22q12.3.
Variant type: single nucleotide variant.
Coding change: c.5595C>T on transcript NM_002473.6 (MANE Select); coding-DNA position 5595, C replaced by T.
Protein change: p.Ala1865=; no amino-acid change (alanine 1865 retained).
Molecular consequence: synonymous variant.
Genome position (GRCh38, 1-based): chr22:36,284,263, G>A on the plus strand (C>T on the coding strand, the complement: MYH9 is on the minus strand). VCF-style: chr22-36284263-G-A. GRCh37 (hg19) VCF-style: chr22-36680309-G-A.
Other names: c.5595C>T (NM_002473.4).
Identifiers: ClinVar variation 3004451 (VCV003004451.6), dbSNP rs764367941, ClinGen allele CA10208978.